The following is an entry in ClinVar:

NM_021999.5(ITM2B):c.748G>T (p.Ala250Ser)

Gene: ITM2B (integral membrane protein 2B; plus strand). Cytogenetic location: 13q14.2.
Variant type: single nucleotide variant.
Coding change: c.748G>T on transcript NM_021999.5 (MANE Select); coding-DNA position 748, G replaced by T.
Protein change: p.Ala250Ser; replaces alanine 250 with serine.
Molecular consequence: missense variant.
Genome position (GRCh38, 1-based): chr13:48,261,171, G>T. VCF-style: chr13-48261171-G-T. GRCh37 (hg19) VCF-style: chr13-48835307-G-T.
Other names: short protein forms A250S.
Identifiers: ClinVar variation 3713140 (VCV003713140.2).

ClinVar aggregate classification (germline): Uncertain significance (1 of 4 stars; one submission).

gnomAD v4.1: 58 of 1,612,024 alleles (0.0036%); highest among the groups gnomAD compares: East Asian, 0.11%; no homozygotes.

Submission:

Labcorp Genetics (formerly Invitae), Labcorp
Classification: Uncertain significance. Last evaluated: 2024-12-18. Review status: criteria provided, single submitter. Criteria: Invitae Variant Classification Sherloc (09022015). Collection method: clinical testing. Allele origin: germline.
Comment: This sequence change replaces alanine, which is neutral and non-polar, with serine, which is neutral and polar, at codon 250 of the ITM2B protein (p.Ala250Ser). This variant is present in population databases (rs578006622, gnomAD 0.05%). This variant has not been reported in the literature in individuals affected with ITM2B-related conditions. Invitae Evidence Modeling of protein sequence and biophysical properties (such as structural, functional, and spatial information, amino acid conservation, physicochemical variation, residue mobility, and thermodynamic stability) indicates that this missense variant is not expected to disrupt ITM2B protein function with a negative predictive value of 80%. In summary, the available evidence is currently insufficient to determine the role of this variant in disease. Therefore, it has been classified as a Variant of Uncertain Significance.